The following is an entry in ClinVar:

ClinVar aggregate classification (germline): Uncertain significance (1 of 4 stars; one submission).

Conditions:
Cerebellar ataxia, impaired intellectual development, and dysequilibrium syndrome 4. Also called: Cerebellar ataxia, intellectual disability, and dysequilibrium syndrome 4; CEREBELLAR ATAXIA AND MENTAL RETARDATION WITH OR WITHOUT QUADRUPEDAL LOCOMOTION 4; Cerebellar ataxia, mental retardation, and dysequilibrium syndrome 4. Identifiers: Orphanet 1766, MedGen C3808977, MONDO:0014104, OMIM 615268.

Allele frequency attached by ClinVar (database versions not stated): TOPMed 0.00001; gnomAD exomes 0.00003.
gnomAD v4.1: 40 of 1,614,068 alleles (0.0025%); highest among the groups gnomAD compares: Non-Finnish European, 0.0033%; no homozygotes.

Submission:

Victorian Clinical Genetics Services, Murdoch Childrens Research Institute
Classification: Uncertain significance for Cerebellar ataxia, impaired intellectual development, and dysequilibrium syndrome 4. Last evaluated: 2020-05-26. Review status: criteria provided, single submitter. Criteria: ACMG Guidelines, 2015. Collection method: clinical testing. Allele origin: germline. Inheritance: Autosomal recessive inheritance.
Comment: Based on the classification scheme VCGS_Germline_v1.1.1, this variant is classified as a 3C-VUS. Following criteria are met: 0102 - Loss-of-function is a known mechanism of disease for this gene (PMID: 31397519; 31612321). (N) 0106 - This gene is known to be associated with autosomal recessive disease (OMIM). (N) 0200 - Variant is predicted to result in a missense amino acid change from a lysine to a threonine (exon 22). (N) 0251 - Variant is heterozygous. (N) 0301 - Variant is absent from gnomAD. (P) 0309 - An alternative amino acid change at the same position has been observed in gnomAD (1 heterozygote, 0 homozygote). (N) 0503 - Missense variant consistently predicted to be tolerated or not conserved in mammals with a minor amino acid change. (B) 0604 - Variant is not located in an established domain, motif, hotspot or informative constraint region. (N) 0705 - No comparable variants have previous evidence for pathogenicity. (N) 0807 - Variant has not previously been reported in a clinical context. (N) 0905 - No segregation evidence has been identified for this variant. (N) 1007 - No published functional evidence has been identified for this variant. (N) 1208 - Inheritance information for this variant is not currently available. (N) Legend: (P) - Pathogenic, (N) - Neutral, (B) - Benign

Literature cited by the submitters: PubMed 31397519; PubMed 31612321.

NM_016529.6(ATP8A2):c.1931A>C (p.Lys644Thr)

Gene: ATP8A2 (ATPase phospholipid transporting 8A2). Cytogenetic location: 13q12.13.
Variant type: single nucleotide variant.
Coding change: c.1931A>C on transcript NM_016529.6 (MANE Select); coding-DNA position 1931, A replaced by C.
Protein change: p.Lys644Thr; replaces lysine 644 with threonine.
Molecular consequence: missense variant.
Genome position (GRCh38, 1-based): chr13:25,579,871, A>C. VCF-style: chr13-25579871-A-C. GRCh37 (hg19) VCF-style: chr13-26154009-A-C.
Other names: c.1811A>C, p.Lys604Thr (NM_001313741.1); c.1931A>C, p.Lys644Thr (NM_001411005.1, NM_001411006.1); short protein forms K604T, K644T.
Identifiers: ClinVar variation 1805938 (VCV001805938.1), dbSNP rs1593576921, ClinGen allele CA387615238.